The following is an entry in ClinVar:

NC_000011.10:g.117797226G>T

Gene: DSCAML1 (DS cell adhesion molecule like 1; minus strand). Cytogenetic location: 11q23.3.
Variant type: single nucleotide variant.
Molecular consequence: intron variant (on NM_001367905.1).
Genome position: GRCh38 VCF-style: chr11-117797226-G-T. GRCh37 (hg19) VCF-style: chr11-117667941-G-T.
Other names: c.-362-16416C>A (NM_001367905.1).
Identifiers: ClinVar variation 1515625 (VCV001515625.7), dbSNP rs1208666557, ClinGen allele CA382762515.

ClinVar aggregate classification (germline): Uncertain significance (1 of 4 stars; one submission).

Allele frequency attached by ClinVar (database versions not stated): gnomAD exomes below 0.00001.
gnomAD v4.1: 1 of 1,480,668 alleles (0.000068%); highest among the groups gnomAD compares: South Asian, 0.0013%; no homozygotes.

Submission:

Labcorp Genetics (formerly Invitae), Labcorp
Classification: Uncertain significance. Last evaluated: 2024-08-23. Review status: criteria provided, single submitter. Criteria: Invitae Variant Classification Sherloc (09022015). Collection method: clinical testing. Allele origin: germline.
Comment: This sequence change replaces proline, which is neutral and non-polar, with threonine, which is neutral and polar, at codon 12 of the DSCAML1 protein (p.Pro12Thr). This variant is not present in population databases (gnomAD no frequency). This variant has not been reported in the literature in individuals affected with DSCAML1-related conditions. ClinVar contains an entry for this variant (Variation ID: 1515625). Experimental studies and prediction algorithms are not available or were not evaluated, and the functional significance of this variant is currently unknown. In summary, the available evidence is currently insufficient to determine the role of this variant in disease. Therefore, it has been classified as a Variant of Uncertain Significance.